The following is an entry in ClinVar:

ClinVar aggregate classification (germline): Uncertain significance. Review status: criteria provided, multiple submitters, no conflicts (2 of 4 stars). 3 submissions from 3 submitters: Uncertain significance (3). Last evaluated 2025-06-25.

Conditions:
Severe combined immunodeficiency due to DNA-PKcs deficiency. Also called: Immunodeficiency 26 with or without neurologic abnormalities; IMMUNODEFICIENCY 26 WITH NEUROLOGIC ABNORMALITIES. Identifiers: Orphanet 317425, MedGen C4014833, MONDO:0014423, OMIM 615966.

Allele frequency attached by ClinVar (database versions not stated): ExAC 0.00006; gnomAD 0.00009 and 0.00010; gnomAD exomes 0.00009 and 0.00014; TOPMed 0.00010.
gnomAD v4.1: 211 of 1,613,526 alleles (0.013%); highest among the groups gnomAD compares: Admixed American, 0.022%; no homozygotes.

Submissions (3):

Ambry Genetics
Classification: Uncertain significance. Last evaluated: 2025-06-25. Review status: criteria provided, single submitter. Criteria: Ambry Variant Classification Scheme 2023. Collection method: clinical testing. Allele origin: germline.

Blueprint Genetics
Classification: Uncertain significance. Last evaluated: 2023-04-19. Review status: criteria provided, single submitter. Criteria: ACMG Guidelines, 2015. Collection method: clinical testing. Allele origin: germline.

Labcorp Genetics (formerly Invitae), Labcorp
Classification: Uncertain significance for Severe combined immunodeficiency due to DNA-PKcs deficiency. Last evaluated: 2022-07-06. Review status: criteria provided, single submitter. Criteria: Invitae Variant Classification Sherloc (09022015). Collection method: clinical testing. Allele origin: germline.
Comment: This sequence change replaces arginine, which is basic and polar, with histidine, which is basic and polar, at codon 509 of the PRKDC protein (p.Arg509His). This variant is present in population databases (rs763089720, gnomAD 0.02%). This variant has not been reported in the literature in individuals affected with PRKDC-related conditions. ClinVar contains an entry for this variant (Variation ID: 577368). Algorithms developed to predict the effect of missense changes on protein structure and function output the following: SIFT: "Not Available"; PolyPhen-2: "Not Available"; Align-GVGD: "Not Available". The histidine amino acid residue is found in multiple mammalian species, which suggests that this missense change does not adversely affect protein function. In summary, the available evidence is currently insufficient to determine the role of this variant in disease. Therefore, it has been classified as a Variant of Uncertain Significance.

NM_006904.7(PRKDC):c.1526G>A (p.Arg509His)

Gene: PRKDC (protein kinase, DNA-activated, catalytic subunit; minus strand). Cytogenetic location: 8q11.21.
Variant type: single nucleotide variant.
Coding change: c.1526G>A on transcript NM_006904.7 (MANE Select); coding-DNA position 1526, G replaced by A.
Protein change: p.Arg509His; replaces arginine 509 with histidine.
Molecular consequence: missense variant.
Genome position (GRCh38, 1-based): chr8:47,934,062, C>T on the plus strand (G>A on the coding strand, the complement: PRKDC is on the minus strand). VCF-style: chr8-47934062-C-T. GRCh37 (hg19) VCF-style: chr8-48846622-C-T.
Other names: c.1526G>A, p.Arg509His (NM_001081640.2); short protein forms R509H.
Identifiers: ClinVar variation 577368 (VCV000577368.10), dbSNP rs763089720, ClinGen allele CA4741702.